The following is an entry in ClinVar:

ClinVar aggregate classification (germline): Uncertain significance. Review status: criteria provided, multiple submitters, no conflicts (2 of 4 stars). 2 submissions from 2 submitters: Uncertain significance (2). Last evaluated 2022-06-08.

Conditions:
Spastic paraplegia. Identifiers: MedGen C0037772, HP:0001258.
Hereditary spastic paraplegia 15 (SPG15). Also called: SPASTIC PARAPLEGIA 15, AUTOSOMAL RECESSIVE; KJELLIN SYNDROME; SPASTIC PARAPLEGIA AND RETINAL DEGENERATION. Identifiers: Orphanet 100996, MedGen C1849128, MONDO:0010044, OMIM 270700.

Allele frequency attached by ClinVar (database versions not stated): gnomAD 0.00002 and 0.00003; gnomAD exomes 0.00002; ExAC 0.00003; TOPMed 0.00003.
gnomAD v4.1: 34 of 1,613,998 alleles (0.0021%); highest among the groups gnomAD compares: South Asian, 0.0044%; no homozygotes.

Submissions (2):

Labcorp Genetics (formerly Invitae), Labcorp
Classification: Uncertain significance for Spastic paraplegia. Last evaluated: 2022-06-08. Review status: criteria provided, single submitter. Criteria: Invitae Variant Classification Sherloc (09022015). Collection method: clinical testing. Allele origin: germline.
Comment: This sequence change replaces arginine, which is basic and polar, with tryptophan, which is neutral and slightly polar, at codon 269 of the ZFYVE26 protein (p.Arg269Trp). This variant is present in population databases (rs778438729, gnomAD 0.004%). This variant has not been reported in the literature in individuals affected with ZFYVE26-related conditions. ClinVar contains an entry for this variant (Variation ID: 884291). Algorithms developed to predict the effect of missense changes on protein structure and function output the following: SIFT: "Tolerated"; PolyPhen-2: "Benign"; Align-GVGD: "Class C0". The tryptophan amino acid residue is found in multiple mammalian species, which suggests that this missense change does not adversely affect protein function. In summary, the available evidence is currently insufficient to determine the role of this variant in disease. Therefore, it has been classified as a Variant of Uncertain Significance.

Illumina Laboratory Services, Illumina
Classification: Uncertain significance for Hereditary spastic paraplegia 15. Last evaluated: 2018-01-13. Review status: criteria provided, single submitter. Criteria: ICSL Variant Classification Criteria 13 December 2019. Collection method: clinical testing. Allele origin: germline.

NM_015346.4(ZFYVE26):c.805C>T (p.Arg269Trp)

Gene: ZFYVE26 (zinc finger FYVE-type containing 26; minus strand). Cytogenetic location: 14q24.1.
Variant type: single nucleotide variant.
Coding change: c.805C>T on transcript NM_015346.4 (MANE Select); coding-DNA position 805, C replaced by T.
Protein change: p.Arg269Trp; replaces arginine 269 with tryptophan.
Molecular consequence: missense variant.
Genome position (GRCh38, 1-based): chr14:67,807,479, G>A on the plus strand (C>T on the coding strand, the complement: ZFYVE26 is on the minus strand). VCF-style: chr14-67807479-G-A. GRCh37 (hg19) VCF-style: chr14-68274196-G-A.
Other names: short protein forms R269W.
Identifiers: ClinVar variation 884291 (VCV000884291.5), dbSNP rs778438729, ClinGen allele CA7240700.